The following is an entry in ClinVar:

ClinVar aggregate classification (germline): Uncertain significance. Review status: criteria provided, multiple submitters, no conflicts (2 of 4 stars). 2 submissions from 2 submitters: Uncertain significance (2). Last evaluated 2022-03-13.

Conditions:
Inborn genetic diseases. Identifiers: MedGen C0950123, MeSH D030342.

Allele frequency attached by ClinVar (database versions not stated): gnomAD exomes 0.00001; TOPMed below 0.00001.
gnomAD v4.1: 5 of 1,608,856 alleles (0.00031%); highest among the groups gnomAD compares: Non-Finnish European, 0.00042%; no homozygotes.

Submissions (2):

Labcorp Genetics (formerly Invitae), Labcorp
Classification: Uncertain significance. Last evaluated: 2022-03-13. Review status: criteria provided, single submitter. Criteria: Invitae Variant Classification Sherloc (09022015). Collection method: clinical testing. Allele origin: germline.
Comment: This sequence change replaces cysteine, which is neutral and slightly polar, with tyrosine, which is neutral and polar, at codon 955 of the SI protein (p.Cys955Tyr). This variant is present in population databases (no rsID available, gnomAD 0.0009%). This variant has not been reported in the literature in individuals affected with SI-related conditions. Advanced modeling of protein sequence and biophysical properties (such as structural, functional, and spatial information, amino acid conservation, physicochemical variation, residue mobility, and thermodynamic stability) performed at Invitae indicates that this missense variant is expected to disrupt SI protein function. In summary, the available evidence is currently insufficient to determine the role of this variant in disease. Therefore, it has been classified as a Variant of Uncertain Significance.

Ambry Genetics
Classification: Uncertain significance for Inborn genetic diseases. Last evaluated: 2021-11-10. Review status: criteria provided, single submitter. Criteria: Ambry Variant Classification Scheme 2023. Collection method: clinical testing. Allele origin: germline.

NM_001041.4(SI):c.2864G>A (p.Cys955Tyr)

Gene: SI (sucrase-isomaltase; minus strand). Cytogenetic location: 3q26.1.
Variant type: single nucleotide variant.
Coding change: c.2864G>A on transcript NM_001041.4 (MANE Select); coding-DNA position 2864, G replaced by A.
Protein change: p.Cys955Tyr; replaces cysteine 955 with tyrosine.
Molecular consequence: missense variant.
Genome position (GRCh38, 1-based): chr3:165,030,740, C>T on the plus strand (G>A on the coding strand, the complement: SI is on the minus strand). VCF-style: chr3-165030740-C-T. GRCh37 (hg19) VCF-style: chr3-164748528-C-T.
Other names: short protein forms C955Y.
Identifiers: ClinVar variation 1944521 (VCV001944521.3), dbSNP rs1184094413, ClinGen allele CA355045023.